The following is an entry in ClinVar:

NM_001039958.2(MESP2):c.307G>A (p.Glu103Lys)

Genes: MESP2 (mesoderm posterior bHLH transcription factor 2; plus strand), LOC130057891 (ATAC-STARR-seq lymphoblastoid silent region 6806; plus strand). Cytogenetic location: 15q26.1.
Variant type: single nucleotide variant.
Coding change: c.307G>A on transcript NM_001039958.2 (MANE Select); coding-DNA position 307, G replaced by A.
Protein change: p.Glu103Lys; replaces glutamic acid 103 with lysine.
Molecular consequence: missense variant.
Genome position (GRCh38, 1-based): chr15:89,776,664, G>A. VCF-style: chr15-89776664-G-A. GRCh37 (hg19) VCF-style: chr15-90319895-G-A.
Other names: short protein forms E103K.
Identifiers: ClinVar variation 2053439 (VCV002053439.1), dbSNP rs71647808, ClinGen allele CA7730390.

ClinVar aggregate classification (germline): Uncertain significance (1 of 4 stars; one submission).

Submission:

Labcorp Genetics (formerly Invitae), Labcorp
Classification: Uncertain significance. Last evaluated: 2022-08-31. Review status: criteria provided, single submitter. Criteria: Invitae Variant Classification Sherloc (09022015). Collection method: clinical testing. Allele origin: germline.
Comment: This sequence change replaces glutamic acid, which is acidic and polar, with lysine, which is basic and polar, at codon 103 of the MESP2 protein (p.Glu103Lys). This variant is present in population databases (rs71647808, gnomAD 0.04%). This variant has not been reported in the literature in individuals affected with MESP2-related conditions. Algorithms developed to predict the effect of missense changes on protein structure and function are either unavailable or do not agree on the potential impact of this missense change (SIFT: "Deleterious"; PolyPhen-2: "Benign"; Align-GVGD: "Class C0"). In summary, the available evidence is currently insufficient to determine the role of this variant in disease. Therefore, it has been classified as a Variant of Uncertain Significance.